The following is an entry in ClinVar:

ClinVar aggregate classification (germline): Uncertain significance (1 of 4 stars; one submission).

Conditions:
Inborn genetic diseases. Identifiers: MedGen C0950123, MeSH D030342.

Submission:

Ambry Genetics
Classification: Uncertain significance for Inborn genetic diseases. Last evaluated: 2025-05-02. Review status: criteria provided, single submitter. Criteria: Ambry Variant Classification Scheme 2023. Collection method: clinical testing. Allele origin: germline.
Comment: The p.F832L variant (also known as c.2496C>G), located in coding exon 26 of the FANCA gene, results from a C to G substitution at nucleotide position 2496. The phenylalanine at codon 832 is replaced by leucine, an amino acid with highly similar properties. This amino acid position is conserved. In addition, this alteration is predicted to be tolerated by in silico analysis. Based on the available evidence, the clinical significance of this variant remains unclear.

NM_000135.4(FANCA):c.2496C>G (p.Phe832Leu)

Gene: FANCA (FA complementation group A; minus strand). Cytogenetic location: 16q24.3.
Variant type: single nucleotide variant.
Coding change: c.2496C>G on transcript NM_000135.4 (MANE Select); coding-DNA position 2496, C replaced by G.
Protein change: p.Phe832Leu; replaces phenylalanine 832 with leucine.
Molecular consequence: missense variant.
Genome position (GRCh38, 1-based): chr16:89,769,845, G>C on the plus strand (C>G on the coding strand, the complement: FANCA is on the minus strand). VCF-style: chr16-89769845-G-C. GRCh37 (hg19) VCF-style: chr16-89836253-G-C.
Other names: c.2496C>G, p.Phe832Leu (NM_001286167.3); short protein forms F832L.
Identifiers: ClinVar variation 4022232 (VCV004022232.1).